The following is an entry in ClinVar:

ClinVar aggregate classification (germline): Uncertain significance. Review status: criteria provided, multiple submitters, no conflicts (2 of 4 stars). 2 submissions from 2 submitters: Uncertain significance (2). Last evaluated 2023-10-30.

Conditions:
Episodic kinesigenic dyskinesia (EKD). Also called: Paroxysmal kinesigenic dyskinesia. Identifiers: Orphanet 98809, MedGen C1868682, MONDO:0044202.

Allele frequency attached by ClinVar (database versions not stated): gnomAD exomes below 0.00001.
gnomAD v4.1: 1 of 1,610,198 alleles (0.000062%); highest among the groups gnomAD compares: Non-Finnish European, 0.000085%; no homozygotes.

Submissions (2):

Women's Health and Genetics/Laboratory Corporation of America, LabCorp
Classification: Uncertain significance. Last evaluated: 2023-10-30. Review status: criteria provided, single submitter. Criteria: LabCorp Variant Classification Summary - May 2015. Collection method: clinical testing. Allele origin: germline.
Comment: Variant summary: PRRT2 c.740C>G (p.Pro247Arg) results in a non-conservative amino acid change in the encoded protein sequence. Four of five in-silico tools predict a damaging effect of the variant on protein function. The variant allele was found at a frequency of 4.1e-06 in 246258 control chromosomes. The available data on variant occurrences in the general population are insufficient to allow any conclusion about variant significance. To our knowledge, no occurrence of c.740C>G in individuals affected with Episodic Kinesigenic Dyskinesia 1 and no experimental evidence demonstrating its impact on protein function have been reported. No submitters have cited clinical-significance assessments for this variant to ClinVar after 2014. Based on the evidence outlined above, the variant was classified as uncertain significance.

Labcorp Genetics (formerly Invitae), Labcorp
Classification: Uncertain significance for Episodic kinesigenic dyskinesia. Last evaluated: 2023-06-21. Review status: criteria provided, single submitter. Criteria: Invitae Variant Classification Sherloc (09022015). Collection method: clinical testing. Allele origin: germline.
Comment: This variant is present in population databases (no rsID available, gnomAD 0.0009%). In summary, the available evidence is currently insufficient to determine the role of this variant in disease. Therefore, it has been classified as a Variant of Uncertain Significance. Advanced modeling of protein sequence and biophysical properties (such as structural, functional, and spatial information, amino acid conservation, physicochemical variation, residue mobility, and thermodynamic stability) performed at Invitae indicates that this missense variant is not expected to disrupt PRRT2 protein function. This variant has not been reported in the literature in individuals affected with PRRT2-related conditions. This sequence change replaces proline, which is neutral and non-polar, with arginine, which is basic and polar, at codon 247 of the PRRT2 protein (p.Pro247Arg).

NM_145239.3(PRRT2):c.740C>G (p.Pro247Arg)

Genes: MVP-DT (MVP divergent transcript; minus strand), PRRT2 (proline rich transmembrane protein 2; plus strand). Cytogenetic location: 16p11.2.
Variant type: single nucleotide variant.
Coding change: c.740C>G on transcript NM_145239.3 (MANE Select); coding-DNA position 740, C replaced by G.
Protein change: p.Pro247Arg; replaces proline 247 with arginine.
Molecular consequence: missense variant.
Genome position (GRCh38, 1-based): chr16:29,813,794, C>G. VCF-style: chr16-29813794-C-G. GRCh37 (hg19) VCF-style: chr16-29825115-C-G.
Other names: c.740C>G, p.Pro247Arg (NM_001256442.2, NM_001256443.2); short protein forms P247R.
Identifiers: ClinVar variation 2637573 (VCV002637573.4), dbSNP rs1422120091, ClinGen allele CA395479470.